The following is an entry in ClinVar:

NM_000071.3(CBS):c.430G>C (p.Glu144Gln)

Gene: CBS (cystathionine beta-synthase; minus strand). Cytogenetic location: 21q22.3.
Variant type: single nucleotide variant.
Coding change: c.430G>C on transcript NM_000071.3 (MANE Select); coding-DNA position 430, G replaced by C.
Protein change: p.Glu144Gln; replaces glutamic acid 144 with glutamine.
Molecular consequence: missense variant.
Genome position (GRCh38, 1-based): chr21:43,066,264, C>G on the plus strand (G>C on the coding strand, the complement: CBS is on the minus strand). VCF-style: chr21-43066264-C-G. GRCh37 (hg19) VCF-style: chr21-44486374-C-G.
Other names: c.430G>C, p.Glu144Gln (NM_001178008.3, NM_001178009.3, NM_001320298.2); c.115G>C, p.Glu39Gln (NM_001321072.1); short protein forms E144Q, E39Q.
Identifiers: ClinVar variation 471365 (VCV000471365.23), dbSNP rs121964966, ClinGen allele CA321097472.

ClinVar aggregate classification (germline): Conflicting classifications of pathogenicity. Review status: criteria provided, conflicting classifications (1 of 4 stars). 8 submissions from 8 submitters: Pathogenic (1); Likely pathogenic (3); Uncertain significance (2). 2 of the submissions do not count toward it. Last evaluated 2026-09-22.

Conditions:
CBS-related disorder. Also called: CBS-related condition.
HYPERHOMOCYSTEINEMIA, THROMBOTIC, CBS-RELATED. Identifiers: MedGen C3150344, OMIM 236200.
Homocystinuria. Identifiers: MedGen C0019880, MONDO:0004737, HP:0002156.
Classic homocystinuria. Also called: HOMOCYSTINURIA WITH OR WITHOUT RESPONSE TO PYRIDOXINE; Homocystinuria due to Cystathionine Beta-Synthase Deficiency; Homocystinuria due to CBS deficiency; Cystathionine beta-synthase deficiency; CBS deficiency. Identifiers: Orphanet 394, MedGen C0751202, MONDO:0009352, OMIM 236200.
Familial thoracic aortic aneurysm and aortic dissection (TAAD). Also called: Thoracic aortic aneurysms and dissections. Identifiers: Orphanet 91387, MedGen C4707243, MONDO:0019625.

Submissions (8):

PreventionGenetics, part of Exact Sciences
Classification: Uncertain significance for CBS-related condition. Last evaluated: 2026-09-22. Review status: criteria provided, single submitter. Criteria: ACMG Guidelines, 2015. Collection method: clinical testing. Allele origin: germline.
Comment: The CBS c.430G>C variant is predicted to result in the amino acid substitution p.Glu144Gln. This variant has been reported in the homozygous state in an individual with homocystinuria (Gusina et al. 2022. DOI: 10.29235/1814-6023-2022-19-1-48-61). This variant is reported in 0.014% of alleles in individuals of European (Non-Finnish) descent in gnomAD and has conflicting classifications listed in ClinVar ranging from uncertain to pathogenic (Variation ID: 471365). A substitution affecting the same amino acid (p.Glu144Lys) has been reported in multiple patients and (for example, see Shih et al. 1995. PubMed ID: 7611293; Kaur et al. 2020. PubMed ID: 33057012) and functional studies showed that the p.Glu144Lys substitution disrupted enzyme function (Kozich et al. 2010. PubMed ID: 20506325), suggesting the p.Glu144 amino acid may be important for enzyme function. Although we suspect that the c.430G>C (p.Glu144Gln) substitution may be pathogenic, at this time its clinical significance is uncertain due to the absence of conclusive functional and genetic evidence.

Labcorp Genetics (formerly Invitae), Labcorp
Classification: Pathogenic for HYPERHOMOCYSTEINEMIA, THROMBOTIC, CBS-RELATED. Last evaluated: 2026-01-26. Review status: criteria provided, single submitter. Criteria: Invitae Variant Classification Sherloc (09022015). Collection method: clinical testing. Allele origin: germline.
Comment: This sequence change replaces glutamic acid, which is acidic and polar, with glutamine, which is neutral and polar, at codon 144 of the CBS protein (p.Glu144Gln). This variant is present in population databases (rs121964966, gnomAD 0.01%). This missense change has been observed in individual(s) with homocystinuria (internal data). In at least one individual the data is consistent with being in trans (on the opposite chromosome) from a pathogenic variant. ClinVar contains an entry for this variant (Variation ID: 471365). Invitae Evidence Modeling of protein sequence and biophysical properties (such as structural, functional, and spatial information, amino acid conservation, physicochemical variation, residue mobility, and thermodynamic stability) indicates that this missense variant is expected to disrupt CBS protein function with a positive predictive value of 95%. This variant disrupts the p.Glu144 amino acid residue in CBS. Other variant(s) that disrupt this residue have been determined to be pathogenic (PMID: 7611293, 10215408, 12124992, 20506325, 22267502, 25331909). This suggests that this residue is clinically significant, and that variants that disrupt this residue are likely to be disease-causing. For these reasons, this variant has been classified as Pathogenic.

GeneDx
Classification: Likely pathogenic. Last evaluated: 2025-11-03. Review status: criteria provided, single submitter. Criteria: GeneDx Variant Classification Process June 2021. Collection method: clinical testing. Allele origin: germline. Affected: yes.
Comment: Has not been previously published as pathogenic or benign to our knowledge; Not observed at significant frequency in large population cohorts (gnomAD); In silico analysis supports that this missense variant has a deleterious effect on protein structure/function; This variant is associated with the following publications: (PMID: 10215408, 20567906)

3billion
Classification: Likely pathogenic for Classic homocystinuria. Last evaluated: 2025-08-22. Review status: criteria provided, single submitter. Criteria: ACMG Guidelines, 2015. Collection method: clinical testing. Allele origin: germline. Affected: yes.
Comment: The variant is not observed in the gnomAD v4.1.0 dataset. Predicted Consequence/Location: Missense variant In silico tool predictions suggest damaging effect of the variant on gene or gene product [REVEL: 0.83 (>=0.6, sensitivity 0.68 and specificity 0.92); 3Cnet: 0.96 (> 0.75, sensitivity 0.96 and precision 0.92)]. The same nucleotide change resulting in the same amino acid change has been previously reported to be associated with CBS-related disorder (ClinVar ID: VCV000471365). A different missense change at the same codon (p.Glu144Lys) has been reported as pathogenic/likely pathogenic with strong evidence (ClinVar ID: VCV000000122 /PMID: 7611293). Therefore, this variant is classified as Likely pathogenic according to the recommendation of ACMG/AMP guideline.

Women's Health and Genetics/Laboratory Corporation of America, LabCorp
Classification: Likely pathogenic for Homocystinuria. Last evaluated: 2025-07-14. Review status: criteria provided, single submitter. Criteria: LabCorp Variant Classification Summary - May 2015. Collection method: clinical testing. Allele origin: germline.
Comment: Variant summary: CBS c.430G>C (p.Glu144Gln) results in a conservative amino acid change in the encoded protein sequence. Algorithms developed to predict the effect of missense changes on protein structure and function are either unavailable or do not agree on the potential impact of this missense change. The variant allele was found at a frequency of 6.4e-05 in 250114 control chromosomes. This frequency is not significantly higher than estimated for a pathogenic variant in CBS causing Homocystinuria (6.4e-05 vs 0.003), allowing no conclusion about variant significance. c.430G>C has been observed in individuals affected with Homocystinuria (Gusina_2022, internal data). These data indicate that the variant may be associated with disease. A different variant affecting the same codon has been classified as pathogenic by our lab (c.430G>A, p.Glu144Lys), supporting the critical relevance of codon 144 to CBS protein function. To our knowledge, no experimental evidence demonstrating an impact on protein function has been reported. The following publication has been ascertained in the context of this evaluation (DOI 10.29235/1814-6023-2022-19-1-48-61). ClinVar contains an entry for this variant (Variation ID: 471365). Based on the evidence outlined above, the variant was classified as likely pathogenic.

Ambry Genetics
Classification: Uncertain significance for Familial thoracic aortic aneurysm and aortic dissection. Last evaluated: 2021-01-27. Review status: criteria provided, single submitter. Criteria: Ambry Variant Classification Scheme 2023. Collection method: clinical testing. Allele origin: germline.
Comment: The p.E144Q variant (also known as c.430G>C), located in coding exon 3 of the CBS gene, results from a G to C substitution at nucleotide position 430. The glutamic acid at codon 144 is replaced by glutamine, an amino acid with highly similar properties. This alteration has been reported in individuals with CBS-related disease (Shih VE et al. Am J Hum Genet, 1995 Jul;57:34-9; Gordon RB et al. Hum Mutat, 1998;11:332; Magner M et al. J Inherit Metab Dis, 2011 Feb;34:33-7; Gaustadnes M et al. Hum Mutat, 2002 Aug;20:117-26). This amino acid position is highly conserved in available vertebrate species. In addition, this alteration is predicted to be deleterious by in silico analysis. Since supporting evidence is limited at this time, the clinical significance of this alteration remains unclear.

Natera, Inc.
Classification: Uncertain significance for Homocystinuria due to cystathionine beta-synthase deficiency. Last evaluated: 2019-10-28. Review status: no assertion criteria provided. Collection method: clinical testing. Allele origin: germline. Not counted in ClinVar's aggregate classification.

Child Health and Human Development Program, Research Institute of the McGill University Health Center
Classification: Pathogenic for Classic homocystinuria. Review status: no assertion criteria provided. Collection method: clinical testing. Allele origin: unknown. Inheritance: Autosomal recessive inheritance. Affected: yes. Observed: 1 compound heterozygote. Not counted in ClinVar's aggregate classification.
Comment: Clinical characteristics included lens dislocation and elevated fasting homocysteine.

Literature cited by the submitters: PubMed 7611293 (cited by 3 submitters); PubMed 10215408 (cited by Labcorp Genetics (formerly Invitae), Labcorp and Ambry Genetics); PubMed 12124992 (cited by Labcorp Genetics (formerly Invitae), Labcorp and Ambry Genetics); PubMed 20506325 (cited by Labcorp Genetics (formerly Invitae), Labcorp); PubMed 22267502 (cited by Labcorp Genetics (formerly Invitae), Labcorp); PubMed 25331909 (cited by Labcorp Genetics (formerly Invitae), Labcorp); PubMed 14722927 (cited by Ambry Genetics); PubMed 20567906 (cited by Ambry Genetics).